The following is an entry in ClinVar:

NM_001927.4(DES):c.1132_1153del (p.Lys378fs)

Gene: DES (desmin; plus strand). Cytogenetic location: 2q35.
Variant type: Deletion.
Coding change: c.1132_1153del on transcript NM_001927.4 (MANE Select); coding-DNA positions 1132 to 1153, 22 bases deleted (AAGGATGAGATGGCCCGCCATC).
Protein change: p.Lys378fs; shifts the reading frame from lysine 378.
Molecular consequence: frameshift variant.
Genome position (GRCh38, 1-based): chr2:219,421,448-219,421,469, AAGGATGAGATGGCCCGCCATC deleted; deleting any 22 consecutive bases within chr2:219,421,446-219,421,469 gives the same sequence; the c. name uses the placement nearest the transcript's 3' end. VCF-style (leftmost placement, unchanged base first): chr2-219421445-CTCAAGGATGAGATGGCCCGCCA-C. GRCh37 (hg19) VCF-style: chr2-220286167-CTCAAGGATGAGATGGCCCGCCA-C.
Other names: c.1132_1153del (LRG_380t1); short protein forms K378fs.
Identifiers: ClinVar variation 641138 (VCV000641138.7), dbSNP rs1575014943, ClinGen allele CA915941735.

ClinVar aggregate classification (germline): Pathogenic (1 of 4 stars; one submission).

Conditions:
Desmin-related myofibrillar myopathy (MFM1). Also called: Desminopathy; MYOFIBRILLAR MYOPATHY WITH ARRHYTHMOGENIC RIGHT VENTRICULAR CARDIOMYOPATHY; DESMIN-RELATED MYOPATHY WITH ARRHYTHMOGENIC RIGHT VENTRICULAR CARDIOMYOPATHY; Myofibrillar myopathy 1; Desmin related myopathy (former name); Desmin storage myopathy (former name). Identifiers: Orphanet 363543, Orphanet 98909, MedGen C1832370, MONDO:0011076, OMIM 601419.

Submission:

Labcorp Genetics (formerly Invitae), Labcorp
Classification: Pathogenic for Desmin-related myofibrillar myopathy. Last evaluated: 2018-07-10. Review status: criteria provided, single submitter. Criteria: Invitae Variant Classification Sherloc (09022015). Collection method: clinical testing. Allele origin: germline.
Comment: This sequence change creates a premature translational stop signal (p.Lys378Cysfs*10) in the DES gene. It is expected to result in an absent or disrupted protein product. This variant is not present in population databases (ExAC no frequency). This variant has not been reported in the literature in individuals with DES-related disease. Loss-of-function variants in DES are known to be pathogenic (PMID: 23575897). For these reasons, this variant has been classified as Pathogenic.

Literature cited by the submitters: PubMed 23575897.